The following is an entry in ClinVar:

NM_001379500.1(COL18A1):c.974G>T (p.Ser325Ile)

Gene: COL18A1 (collagen type XVIII alpha 1 chain; plus strand). Cytogenetic location: 21q22.3.
Variant type: single nucleotide variant.
Coding change: c.974G>T on transcript NM_001379500.1 (MANE Select); coding-DNA position 974, G replaced by T.
Protein change: p.Ser325Ile; replaces serine 325 with isoleucine.
Molecular consequence: missense variant.
Genome position (GRCh38, 1-based): chr21:45,477,456, G>T. VCF-style: chr21-45477456-G-T. GRCh37 (hg19) VCF-style: chr21-46897370-G-T.
Other names: c.1514G>T, p.Ser505Ile (NM_030582.4); c.2219G>T, p.Ser740Ile (NM_130444.3); short protein forms S325I, S505I, S740I.
Identifiers: ClinVar variation 1504637 (VCV001504637.1), dbSNP rs2035717750, ClinGen allele CA410514932.

ClinVar aggregate classification (germline): Uncertain significance (1 of 4 stars; one submission).

Submission:

Labcorp Genetics (formerly Invitae), Labcorp
Classification: Uncertain significance. Last evaluated: 2021-07-12. Review status: criteria provided, single submitter. Criteria: Invitae Variant Classification Sherloc (09022015). Collection method: clinical testing. Allele origin: germline.
Comment: This sequence change replaces serine with isoleucine at codon 325 of the COL18A1 protein (p.Ser325Ile). There is a large physicochemical difference between serine and isoleucine. This variant is not present in population databases (ExAC no frequency). This variant has not been reported in the literature in individuals affected with COL18A1-related conditions. Experimental studies and prediction algorithms are not available or were not evaluated, and the functional significance of this variant is currently unknown. In summary, the available evidence is currently insufficient to determine the role of this variant in disease. Therefore, it has been classified as a Variant of Uncertain Significance.